The following is an entry in ClinVar:

NM_002234.4(KCNA5):c.166G>T (p.Ala56Ser)

Gene: KCNA5 (potassium voltage-gated channel subfamily A member 5; plus strand). Cytogenetic location: 12p13.32.
Variant type: single nucleotide variant.
Coding change: c.166G>T on transcript NM_002234.4 (MANE Select); coding-DNA position 166, G replaced by T.
Protein change: p.Ala56Ser; replaces alanine 56 with serine.
Molecular consequence: missense variant.
Genome position (GRCh38, 1-based): chr12:5,044,313, G>T. VCF-style: chr12-5044313-G-T. GRCh37 (hg19) VCF-style: chr12-5153479-G-T.
Other names: short protein forms A56S.
Identifiers: ClinVar variation 2098473 (VCV002098473.4), dbSNP rs763338488, ClinGen allele CA383462025.

ClinVar aggregate classification (germline): Uncertain significance (1 of 4 stars; one submission).

Conditions:
Atrial fibrillation, familial, 7 (ATFB7). Identifiers: MedGen C2677106, MONDO:0012828, OMIM 612240.

Allele frequency attached by ClinVar (database versions not stated): TOPMed below 0.00001; gnomAD 0.00001.

Submission:

Labcorp Genetics (formerly Invitae), Labcorp
Classification: Uncertain significance for Atrial fibrillation, familial, 7. Last evaluated: 2022-05-18. Review status: criteria provided, single submitter. Criteria: Invitae Variant Classification Sherloc (09022015). Collection method: clinical testing. Allele origin: germline.
Comment: This sequence change replaces alanine, which is neutral and non-polar, with serine, which is neutral and polar, at codon 56 of the KCNA5 protein (p.Ala56Ser). This variant is present in population databases (no rsID available, gnomAD 0.007%). This variant has not been reported in the literature in individuals affected with KCNA5-related conditions. Algorithms developed to predict the effect of missense changes on protein structure and function (SIFT, PolyPhen-2, Align-GVGD) all suggest that this variant is likely to be tolerated. In summary, the available evidence is currently insufficient to determine the role of this variant in disease. Therefore, it has been classified as a Variant of Uncertain Significance.